The following is an entry in ClinVar:

ClinVar aggregate classification (germline): Pathogenic (1 of 4 stars; one submission).

Submission:

Genetics Laboratory, UDIAT-Centre Diagnòstic, Hospital Universitari Parc Tauli
Classification: Pathogenic. Last evaluated: 2021-04-26. Review status: criteria provided, single submitter. Criteria: Parc Tauli Hospital Assertion Criteria 2021. Collection method: clinical testing. Allele origin: de novo. Inheritance: Autosomal dominant inheritance. Affected: yes. Observed: 1 heterozygote.
Comment: PVS1_very strong;PM2_supporting;PM6_moderate

NM_001378418.1(TCF20):c.1856del (p.Lys619fs)

Gene: TCF20 (transcription factor 20; minus strand). Cytogenetic location: 22q13.2.
Variant type: Deletion.
Coding change: c.1856del on transcript NM_001378418.1 (MANE Select); coding-DNA position 1856, one base deleted (A; older notation c.1856delA).
Protein change: p.Lys619fs; shifts the reading frame from lysine 619.
Molecular consequence: frameshift variant.
Genome position (GRCh38, 1-based): chr22:42,213,450, T deleted on the plus strand (A on the coding strand, the reverse complement: TCF20 is on the minus strand); the first of 4 consecutive T bases (chr22:42,213,450-42,213,453); deleting any one gives the same sequence. VCF-style (leftmost placement, unchanged base first): chr22-42213449-CT-C. GRCh37 (hg19) VCF-style: chr22-42609455-CT-C.
Other names: c.1856del, p.Lys619fs (NM_005650.4, NM_181492.3); short protein forms K619fs.
Identifiers: ClinVar variation 1098363 (VCV001098363.2), dbSNP rs2147214584, ClinGen allele CA2499226201.